The following is an entry in ClinVar:

ClinVar aggregate classification (germline): Benign/Likely benign. Review status: criteria provided, multiple submitters, no conflicts (2 of 4 stars). 4 submissions from 4 submitters: Benign (2); Likely benign (2). Last evaluated 2024-11-27.

Allele frequency attached by ClinVar (database versions not stated): 1000 Genomes Project 30x 0.00281; 1000 Genomes Project 0.00300; ESP Exome Variant Server 0.00707; TOPMed 0.00730; gnomAD exomes 0.00829; ExAC 0.02110.

Submissions (4):

Blueprint Genetics
Classification: Likely benign. Last evaluated: 2024-11-27. Review status: criteria provided, single submitter. Criteria: ACMG Guidelines, 2015. Collection method: clinical testing. Allele origin: germline.

GeneDx
Classification: Benign. Last evaluated: 2016-03-07. Review status: criteria provided, single submitter. Criteria: GeneDx Variant Classification (06012015). Collection method: clinical testing. Allele origin: germline. Affected: yes.
Comment: This variant is considered likely benign or benign based on one or more of the following criteria: it is a conservative change, it occurs at a poorly conserved position in the protein, it is predicted to be benign by multiple in silico algorithms, and/or has population frequency not consistent with disease.

Breakthrough Genomics
Classification: Likely benign. Review status: criteria provided, single submitter. Criteria: ACMG Guidelines, 2015. Collection method: not provided. Allele origin: germline. Inheritance: Autosomal dominant inheritance. Affected: yes.

PreventionGenetics, part of Exact Sciences
Classification: Benign. Review status: criteria provided, single submitter. Criteria: ACMG Guidelines, 2015. Collection method: clinical testing. Allele origin: germline.

NM_001101362.3(KBTBD13):c.-13C>T

Gene: KBTBD13 (kelch repeat and BTB domain containing 13; plus strand). Cytogenetic location: 15q22.31.
Variant type: single nucleotide variant.
Coding change: c.-13C>T on transcript NM_001101362.3 (MANE Select); 13 bases upstream of the start codon, C replaced by T.
Molecular consequence: 5 prime UTR variant.
Genome position (GRCh38, 1-based): chr15:65,076,803, C>T. VCF-style: chr15-65076803-C-T. GRCh37 (hg19) VCF-style: chr15-65369141-C-T.
Identifiers: ClinVar variation 257449 (VCV000257449.8), dbSNP rs147079462, ClinGen allele CA7613827.
Genomic context (GRCh38, chr15:65,076,803, plus strand): 5'-TCCAGGGGAGCCCCAGAGTTGGTGGCTGGCTAACCCAAGGCCCCAGCGGCAGCCTCCGCC[C>T]GGCCAGCTCGCCATGGCACGGGGTCCACAGACCCTGGTGCAGGTGTGGGTGGGCGGCCAG-3'